The following is an entry in ClinVar:

NC_000005.9:g.(?_60368932)_(60394879_?)del

Gene: NDUFAF2 (NADH:ubiquinone oxidoreductase complex assembly factor 2; plus strand). Cytogenetic location: 5q12.1.
Variant type: Deletion.
Identifiers: ClinVar variation 3246570 (VCV003246570.1).

ClinVar aggregate classification (germline): Pathogenic (1 of 4 stars; one submission).

Submission:

Labcorp Genetics (formerly Invitae), Labcorp
Classification: Pathogenic. Last evaluated: 2023-12-04. Review status: criteria provided, single submitter. Criteria: Invitae Variant Classification Sherloc (09022015). Collection method: clinical testing. Allele origin: unknown.
Comment: This variant is a gross deletion of the genomic region encompassing exon(s) 2-3 of the NDUFAF2 gene. While this deletion is not anticipated to lead to nonsense mediated decay, it is expected to disrupt the C-terminus of the protein. This variant has not been reported in the literature in individuals affected with NDUFAF2-related conditions. This variant disrupts a region of the NDUFAF2 protein in which other variant(s) (p.Trp74*) have been determined to be pathogenic (PMID: 20818383). This suggests that this is a clinically significant region of the protein, and that variants that disrupt it are likely to be disease-causing. For these reasons, this variant has been classified as Pathogenic.

Literature cited by the submitters: PubMed 20818383.